The following is an entry in ClinVar:

ClinVar aggregate classification (germline): Uncertain significance. Review status: criteria provided, multiple submitters, no conflicts (2 of 4 stars). 2 submissions from 2 submitters: Uncertain significance (2). Last evaluated 2024-07-15.

Conditions:
Developmental delay with variable intellectual impairment and behavioral abnormalities. Identifiers: MedGen C5193092, MONDO:0032745, OMIM 618430.

gnomAD v4.1: 8 of 1,614,122 alleles (0.0005%); highest among the groups gnomAD compares: Admixed American, 0.0067%; no homozygotes.

Submissions (2):

Dasa
Classification: Uncertain significance. Last evaluated: 2024-07-15. Review status: criteria provided, single submitter. Criteria: DASA Assertion Criteria. Collection method: clinical testing. Allele origin: germline.
Comment: NM_001378418.1(TCF20):c.197C>G (p.Ala66Gly) is a missense variant that results in the substitution of alanine with glycine. Computational prediction algorithms are consistent with a benign effect. The currently available literature and clinical evidence are not sufficient to establish a definitive association between this variant and the reported condition. Therefore, this variant is classified as a variant of uncertain significance.

Revvity Omics, Revvity
Classification: Uncertain significance for Developmental delay with variable intellectual impairment and behavioral abnormalities. Last evaluated: 2023-08-18. Review status: criteria provided, single submitter. Criteria: ACMG Guidelines, 2015. Collection method: clinical testing. Allele origin: germline.

NM_001378418.1(TCF20):c.197C>G (p.Ala66Gly)

Gene: TCF20 (transcription factor 20; minus strand). Cytogenetic location: 22q13.2.
Variant type: single nucleotide variant.
Coding change: c.197C>G on transcript NM_001378418.1 (MANE Select); coding-DNA position 197, C replaced by G.
Protein change: p.Ala66Gly; replaces alanine 66 with glycine.
Molecular consequence: missense variant.
Genome position (GRCh38, 1-based): chr22:42,215,109, G>C on the plus strand (C>G on the coding strand, the complement: TCF20 is on the minus strand). VCF-style: chr22-42215109-G-C. GRCh37 (hg19) VCF-style: chr22-42611115-G-C.
Other names: c.197C>G, p.Ala66Gly (NM_005650.4, NM_181492.3); short protein forms A66G.
Identifiers: ClinVar variation 4080528 (VCV004080528.3).